The following is an entry in ClinVar:

ClinVar aggregate classification (germline): Conflicting classifications of pathogenicity. Review status: criteria provided, conflicting classifications (1 of 4 stars). 4 submissions from 4 submitters: Uncertain significance (1); Likely benign (3). Last evaluated 2025-12-28.

Conditions:
MAK-related disorder. Also called: MAK-related condition.

Allele frequency attached by ClinVar (database versions not stated): gnomAD 0.00008 and 0.00007; 1000 Genomes Project 30x 0.00016; 1000 Genomes Project 0.00020; gnomAD exomes below 0.00001 and 0.00001; ExAC 0.00002; TOPMed 0.00005.
gnomAD v4.1: 18 of 1,613,714 alleles (0.0011%); highest among the groups gnomAD compares: African/African-American, 0.023%; no homozygotes.

Submissions (4):

Labcorp Genetics (formerly Invitae), Labcorp
Classification: Likely benign. Last evaluated: 2025-12-28. Review status: criteria provided, single submitter. Criteria: Invitae Variant Classification Sherloc (09022015). Collection method: clinical testing. Allele origin: germline.

PreventionGenetics, part of Exact Sciences
Classification: Likely benign for MAK-related condition. Last evaluated: 2025-07-09. Review status: criteria provided, single submitter. Criteria: ACMG Guidelines, 2015. Collection method: clinical testing. Allele origin: germline.
Comment: This variant is classified as likely benign based on ACMG/AMP sequence variant interpretation guidelines (Richards et al. 2015 PMID: 25741868, with internal and published modifications).

Blueprint Genetics
Classification: Likely benign. Last evaluated: 2024-04-12. Review status: criteria provided, single submitter. Criteria: ACMG Guidelines, 2015. Collection method: clinical testing. Allele origin: germline.

Eurofins Ntd Llc (ga)
Classification: Uncertain significance. Last evaluated: 2015-10-20. Review status: criteria provided, single submitter. Criteria: EGL Classification Definitions 2015. Collection method: clinical testing. Allele origin: germline. Observed: 1 variant allele, 1 heterozygote.

NM_001242957.3(MAK):c.492-4A>G

Gene: MAK (male germ cell associated kinase; minus strand). Cytogenetic location: 6p24.2.
Variant type: single nucleotide variant.
Coding change: c.492-4A>G on transcript NM_001242957.3 (MANE Select); 4 bases into the intron before coding-DNA position 492, A replaced by G.
Molecular consequence: intron variant.
Genome position (GRCh38, 1-based): chr6:10,803,895, T>C on the plus strand (A>G on the coding strand, the complement: MAK is on the minus strand). VCF-style: chr6-10803895-T-C. GRCh37 (hg19) VCF-style: chr6-10804128-T-C.
Other names: c.390-4A>G (NM_001377262.1); c.492-4A>G (NM_005906.6, NM_001242385.2, NM_001242957.2).
Identifiers: ClinVar variation 283911 (VCV000283911.18), dbSNP rs540144059, ClinGen allele CA3633688.